The following is an entry in ClinVar:

NM_001377142.1(PLCB4):c.1954T>A (p.Trp652Arg)

Gene: PLCB4 (phospholipase C beta 4; plus strand). Cytogenetic location: 20p12.2.
Variant type: single nucleotide variant.
Coding change: c.1954T>A on transcript NM_001377142.1 (MANE Select); coding-DNA position 1954, T replaced by A.
Protein change: p.Trp652Arg; replaces tryptophan 652 with arginine.
Molecular consequence: missense variant.
Genome position (GRCh38, 1-based): chr20:9,409,136, T>A. VCF-style: chr20-9409136-T-A. GRCh37 (hg19) VCF-style: chr20-9389783-T-A.
Other names: c.1918T>A, p.Trp640Arg (NM_000933.4, NM_001377134.2, NM_001377135.1 and 2 more transcripts); c.1954T>A, p.Trp652Arg (NM_001172646.2, NM_001377143.1); short protein forms W640R, W652R.
Identifiers: ClinVar variation 5016798 (VCV005016798.1).

ClinVar aggregate classification (germline): Uncertain significance (1 of 4 stars; one submission).

Submission:

GeneDx
Classification: Uncertain significance. Last evaluated: 2026-04-08. Review status: criteria provided, single submitter. Criteria: GeneDx Variant Classification Process June 2021. Collection method: clinical testing. Allele origin: germline.
Comment: Not observed at significant frequency in large population cohorts (gnomAD); In silico analysis supports that this missense variant has a deleterious effect on protein structure/function; Has not been previously published as pathogenic or benign to our knowledge